The following is an entry in ClinVar:

NM_004304.5(ALK):c.2680A>G (p.Lys894Glu)

Gene: ALK (ALK receptor tyrosine kinase; minus strand). Cytogenetic location: 2p23.2.
Variant type: single nucleotide variant.
Coding change: c.2680A>G on transcript NM_004304.5 (MANE Select); coding-DNA position 2680, A replaced by G.
Protein change: p.Lys894Glu; replaces lysine 894 with glutamic acid.
Molecular consequence: missense variant.
Genome position (GRCh38, 1-based): chr2:29,229,019, T>C on the plus strand (A>G on the coding strand, the complement: ALK is on the minus strand). VCF-style: chr2-29229019-T-C. GRCh37 (hg19) VCF-style: chr2-29451885-T-C.
Other names: short protein forms K894E.
Identifiers: ClinVar variation 4272487 (VCV004272487.1).

ClinVar aggregate classification (germline): Uncertain significance (1 of 4 stars; one submission).

Conditions:
Hereditary cancer-predisposing syndrome. Also called: Hereditary Cancer Syndrome; Hereditary neoplastic syndrome; Neoplastic Syndromes, Hereditary; Tumor predisposition. Identifiers: Orphanet 140162, MedGen C0027672, MeSH D009386, MONDO:0015356.

Submission:

Ambry Genetics
Classification: Uncertain significance for Hereditary cancer-predisposing syndrome. Last evaluated: 2025-07-11. Review status: criteria provided, single submitter. Criteria: Ambry Variant Classification Scheme 2023. Collection method: clinical testing. Allele origin: germline.
Comment: The p.K894E variant (also known as c.2680A>G), located in coding exon 16 of the ALK gene, results from an A to G substitution at nucleotide position 2680. The lysine at codon 894 is replaced by glutamic acid, an amino acid with similar properties. This amino acid position is conserved. In addition, the in silico prediction for this alteration is inconclusive. Based on the available evidence, the clinical significance of this variant remains unclear.